The following is an entry in ClinVar:

ClinVar aggregate classification (germline): Uncertain significance (1 of 4 stars; one submission).

Conditions:
Ataxia-telangiectasia syndrome (AT). Also called: Cerebello-oculocutaneous telangiectasia; Immunodeficiency with ataxia telangiectasia; ATAXIA-TELANGIECTASIA, COMPLEMENTATION GROUP A; ATAXIA-TELANGIECTASIA, FRESNO VARIANT; LOUIS-BAR SYNDROME; Ataxia-telangiectasia, complementation group E. Identifiers: Orphanet 100, MedGen C0004135, MONDO:0008840, OMIM 208900.

Submission:

Labcorp Genetics (formerly Invitae), Labcorp
Classification: Uncertain significance for Ataxia-telangiectasia syndrome. Last evaluated: 2020-02-05. Review status: criteria provided, single submitter. Criteria: Invitae Variant Classification Sherloc (09022015). Collection method: clinical testing. Allele origin: germline.
Comment: This variant is not present in population databases (ExAC no frequency). This variant has not been reported in the literature in individuals with ATM-related conditions. Nucleotide substitutions within the consensus splice site are a relatively common cause of aberrant splicing (PMID: 17576681, 9536098). Algorithms developed to predict the effect of sequence changes on RNA splicing suggest that this variant may disrupt the consensus splice site, but this prediction has not been confirmed by published transcriptional studies. This variant disrupts the c.5177+5 nucleotide in the ATM gene. Other variant(s) that disrupt this nucleotide have been determined to be pathogenic (PMID: 23143971). This suggests that this nucleotide is clinically-significant, and that variants that disrupt this position are likely to be disease-causing. In summary, the available evidence is currently insufficient to determine the role of this variant in disease. Therefore, it has been classified as a Variant of Uncertain Significance. This sequence change falls in intron 34 of the ATM gene. It does not directly change the encoded amino acid sequence of the ATM protein, but it affects a nucleotide within the consensus splice site of the intron.

Literature cited by the submitters: PubMed 17576681; PubMed 9536098; PubMed 23143971.

NM_000051.4(ATM):c.5177+5G>T

Gene: ATM (ATM serine/threonine kinase; plus strand). Cytogenetic location: 11q22.3.
Variant type: single nucleotide variant.
Coding change: c.5177+5G>T on transcript NM_000051.4 (MANE Select); 5 bases into the intron after coding-DNA position 5177, G replaced by T.
Molecular consequence: intron variant.
Genome position (GRCh38, 1-based): chr11:108,299,890, G>T. VCF-style: chr11-108299890-G-T. GRCh37 (hg19) VCF-style: chr11-108170617-G-T.
Other names: c.5177+5G>T (NM_001351834.2).
Identifiers: ClinVar variation 1016838 (VCV001016838.9), dbSNP rs759373136, ClinGen allele CA1998796668.
Genomic context (GRCh38, chr11:108,299,890, plus strand): 5'-CTTCAGTGGACCTTCATAATGCTGACCTACCTGAATAACACACTGGTAGAAGATTGGTGA[G>T]TATTTATTGATACCTTATATGTAATCTCAATATGACATTCATGGAGAATGATACTTCACA-3'